The following is an entry in ClinVar:

ClinVar aggregate classification (germline): Uncertain significance (1 of 4 stars; one submission).

Allele frequency attached by ClinVar (database versions not stated): gnomAD exomes below 0.00001 and 0.00001; gnomAD 0.00001; ExAC 0.00002; TOPMed 0.00004.
gnomAD v4.1: 4 of 1,206,674 alleles (0.00033%); highest among the groups gnomAD compares: Admixed American, 0.0087%; no homozygotes.

Submission:

GeneDx
Classification: Uncertain significance. Last evaluated: 2020-07-07. Review status: criteria provided, single submitter. Criteria: GeneDx Variant Classification Process June 2021. Collection method: clinical testing. Allele origin: germline. Affected: yes.
Comment: In silico analysis supports that this missense variant does not alter protein structure/function; Has not been previously published as pathogenic or benign to our knowledge

NM_001368397.1(FRMPD4):c.200A>G (p.Glu67Gly)

Gene: FRMPD4 (FERM and PDZ domain containing 4; plus strand). Cytogenetic location: Xp22.2.
Variant type: single nucleotide variant.
Coding change: c.200A>G on transcript NM_001368397.1 (MANE Select); coding-DNA position 200, A replaced by G.
Protein change: p.Glu67Gly; replaces glutamic acid 67 with glycine.
Molecular consequence: missense variant.
Genome position (GRCh38, 1-based): chrX:12,609,762, A>G. VCF-style: chrX-12609762-A-G. GRCh37 (hg19) VCF-style: chrX-12627881-A-G.
Other names: c.311A>G, p.Glu104Gly (NM_001368395.3, NM_001368398.3); c.200A>G, p.Glu67Gly (NM_001368396.3, NM_014728.3); c.191A>G, p.Glu64Gly (NM_001368399.3); c.80A>G, p.Glu27Gly (NM_001368400.3); c.176A>G, p.Glu59Gly (NM_001368401.1, NM_001368402.3); short protein forms E104G, E27G, E59G, E64G, E67G.
Identifiers: ClinVar variation 1313022 (VCV001313022.2), dbSNP rs754916455, ClinGen allele CA10349070.